The following is an entry in ClinVar:

ClinVar aggregate classification (germline): Uncertain significance. Review status: criteria provided, multiple submitters, no conflicts (2 of 4 stars). 2 submissions from 2 submitters: Uncertain significance (2). Last evaluated 2025-10-01.

Conditions:
Early-infantile DEE. Also called: Ohtahara syndrome; Early infantile epileptic encephalopathy with suppression bursts; Early infantile epileptic encephalopathy. Identifiers: Orphanet 1934, MedGen C0393706, MONDO:0800491.
Inborn genetic diseases. Identifiers: MedGen C0950123, MeSH D030342.

Submissions (2):

Ambry Genetics
Classification: Uncertain significance for Inborn genetic diseases. Last evaluated: 2025-10-01. Review status: criteria provided, single submitter. Criteria: Ambry Variant Classification Scheme 2023. Collection method: clinical testing. Allele origin: germline.
Comment: The c.1341+4G>A intronic alteration consists of a G to A substitution nucleotides after coding exon 9 in the SCN8A gene. This variant was not reported in population-based cohorts in the Genome Aggregation Database (gnomAD). Based on insufficient or conflicting evidence, the clinical significance of this alteration remains unclear.

Labcorp Genetics (formerly Invitae), Labcorp
Classification: Uncertain significance for Early-infantile DEE. Last evaluated: 2025-01-06. Review status: criteria provided, single submitter. Criteria: Invitae Variant Classification Sherloc (09022015). Collection method: clinical testing. Allele origin: germline.
Comment: This sequence change falls in intron 10 of the SCN8A gene. It does not directly change the encoded amino acid sequence of the SCN8A protein. It affects a nucleotide within the consensus splice site. This variant is not present in population databases (gnomAD no frequency). This variant has not been reported in the literature in individuals affected with SCN8A-related conditions. ClinVar contains an entry for this variant (Variation ID: 2695666). Variants that disrupt the consensus splice site are a relatively common cause of aberrant splicing (PMID: 17576681, 9536098). Algorithms developed to predict the effect of sequence changes on RNA splicing suggest that this variant is not likely to affect RNA splicing. In summary, the available evidence is currently insufficient to determine the role of this variant in disease. Therefore, it has been classified as a Variant of Uncertain Significance.

Literature cited by the submitters: PubMed 17576681 (cited by Labcorp Genetics (formerly Invitae), Labcorp); PubMed 9536098 (cited by Labcorp Genetics (formerly Invitae), Labcorp).

NM_001330260.2(SCN8A):c.1341+4G>A

Gene: SCN8A (sodium voltage-gated channel alpha subunit 8; plus strand). Cytogenetic location: 12q13.13.
Variant type: single nucleotide variant.
Coding change: c.1341+4G>A on transcript NM_001330260.2 (MANE Select); 4 bases into the intron after coding-DNA position 1341, G replaced by A.
Molecular consequence: intron variant.
Genome position (GRCh38, 1-based): chr12:51,705,627, G>A. VCF-style: chr12-51705627-G-A. GRCh37 (hg19) VCF-style: chr12-52099411-G-A.
Other names: c.1341+4G>A (NM_014191.4, NM_001177984.3, NM_001369788.1 and 1 more transcripts).
Identifiers: ClinVar variation 2695666 (VCV002695666.4), dbSNP rs2540184667, ClinGen allele CA2697559263.